The following is an entry in ClinVar:

ClinVar aggregate classification (germline): Pathogenic (1 of 4 stars; one submission).

Conditions:
Hereditary spastic paraplegia 4. Also called: Spastic paraplegia 4, autosomal dominant; Familial spastic paraplegia autosomal dominant 2; Spastic Paraplegia 4. Identifiers: Orphanet 100985, MedGen C1866855, MONDO:0008438, OMIM 182601.

Submission:

Labcorp Genetics (formerly Invitae), Labcorp
Classification: Pathogenic for Hereditary spastic paraplegia 4. Last evaluated: 2022-11-28. Review status: criteria provided, single submitter. Criteria: Invitae Variant Classification Sherloc (09022015). Collection method: clinical testing. Allele origin: germline.
Comment: For these reasons, this variant has been classified as Pathogenic. ClinVar contains an entry for this variant (Variation ID: 650603). This variant has not been reported in the literature in individuals affected with SPAST-related conditions. This variant is not present in population databases (gnomAD no frequency). This sequence change creates a premature translational stop signal (p.Pro233Glnfs*7) in the SPAST gene. It is expected to result in an absent or disrupted protein product. Loss-of-function variants in SPAST are known to be pathogenic (PMID: 20932283).

Literature cited by the submitters: PubMed 20932283.

NM_014946.4(SPAST):c.698del (p.Pro233fs)

Gene: SPAST (spastin; plus strand). Cytogenetic location: 2p22.3.
Variant type: Deletion.
Coding change: c.698del on transcript NM_014946.4 (MANE Select); coding-DNA position 698, one base deleted (C; older notation c.698delC).
Protein change: p.Pro233fs; shifts the reading frame from proline 233.
Molecular consequence: frameshift variant.
Genome position (GRCh38, 1-based): chr2:32,114,653, C deleted; the last of 2 consecutive C bases (chr2:32,114,652-32,114,653); deleting either gives the same sequence. VCF-style (leftmost placement, unchanged base first): chr2-32114651-TC-T. GRCh37 (hg19) VCF-style: chr2-32339720-TC-T.
Other names: c.698delC (NM_014946.3); c.695del, p.Pro232fs (NM_001363823.2); c.599del, p.Pro200fs (NM_001363875.2); c.602del, p.Pro201fs (NM_001377959.1, NM_199436.2); short protein forms P200fs, P201fs, P232fs, P233fs.
Identifiers: ClinVar variation 650603 (VCV000650603.6), dbSNP rs1573118105, ClinGen allele CA915943758.